The following is an entry in ClinVar:

ClinVar aggregate classification (germline): Uncertain significance (1 of 4 stars; one submission).

Allele frequency attached by ClinVar (database versions not stated): gnomAD exomes below 0.00001; TOPMed 0.00001.
gnomAD v4.1: 1 of 1,609,530 alleles (0.000062%); highest among the groups gnomAD compares: Admixed American, 0.0017%; no homozygotes.

Submission:

Labcorp Genetics (formerly Invitae), Labcorp
Classification: Uncertain significance. Last evaluated: 2025-06-19. Review status: criteria provided, single submitter. Criteria: Invitae Variant Classification Sherloc (09022015). Collection method: clinical testing. Allele origin: germline.
Comment: This sequence change replaces histidine, which is basic and polar, with arginine, which is basic and polar, at codon 515 of the OBSL1 protein (p.His515Arg). This variant is not present in population databases (gnomAD no frequency). This variant has not been reported in the literature in individuals affected with OBSL1-related conditions. ClinVar contains an entry for this variant (Variation ID: 1509183). An algorithm developed to predict the effect of missense changes on protein structure and function (PolyPhen-2) suggests that this variant is likely to be tolerated. In summary, the available evidence is currently insufficient to determine the role of this variant in disease. Therefore, it has been classified as a Variant of Uncertain Significance.

NM_015311.3(OBSL1):c.1544A>G (p.His515Arg)

Gene: OBSL1 (obscurin like cytoskeletal adaptor 1; minus strand). Cytogenetic location: 2q35.
Variant type: single nucleotide variant.
Coding change: c.1544A>G on transcript NM_015311.3 (MANE Select); coding-DNA position 1544, A replaced by G.
Protein change: p.His515Arg; replaces histidine 515 with arginine.
Molecular consequence: missense variant.
Genome position (GRCh38, 1-based): chr2:219,567,566, T>C on the plus strand (A>G on the coding strand, the complement: OBSL1 is on the minus strand). VCF-style: chr2-219567566-T-C. GRCh37 (hg19) VCF-style: chr2-220432288-T-C.
Other names: c.1544A>G, p.His515Arg (NM_001173408.2, NM_001173431.2); short protein forms H515R.
Identifiers: ClinVar variation 1509183 (VCV001509183.8), dbSNP rs769329855, ClinGen allele CA66037383.